The following is an entry in ClinVar:

ClinVar aggregate classification (germline): Uncertain significance (1 of 4 stars; one submission).

Conditions:
Charcot-Marie-Tooth disease dominant intermediate F. Identifiers: Orphanet 352670, MedGen C4749463, MONDO:0014074, OMIM 615185.

Submission:

Labcorp Genetics (formerly Invitae), Labcorp
Classification: Uncertain significance for Charcot-Marie-Tooth disease dominant intermediate F. Last evaluated: 2023-08-07. Review status: criteria provided, single submitter. Criteria: Invitae Variant Classification Sherloc (09022015). Collection method: clinical testing. Allele origin: germline.
Comment: This variant has not been reported in the literature in individuals affected with GNB4-related conditions. This variant is not present in population databases (gnomAD no frequency). This sequence change replaces tyrosine, which is neutral and polar, with phenylalanine, which is neutral and non-polar, at codon 111 of the GNB4 protein (p.Tyr111Phe). Advanced modeling of protein sequence and biophysical properties (such as structural, functional, and spatial information, amino acid conservation, physicochemical variation, residue mobility, and thermodynamic stability) performed at Invitae indicates that this missense variant is not expected to disrupt GNB4 protein function. In summary, the available evidence is currently insufficient to determine the role of this variant in disease. Therefore, it has been classified as a Variant of Uncertain Significance.

NM_021629.4(GNB4):c.332A>T (p.Tyr111Phe)

Gene: GNB4 (G protein subunit beta 4; minus strand). Cytogenetic location: 3q26.33.
Variant type: single nucleotide variant.
Coding change: c.332A>T on transcript NM_021629.4 (MANE Select); coding-DNA position 332, A replaced by T.
Protein change: p.Tyr111Phe; replaces tyrosine 111 with phenylalanine.
Molecular consequence: missense variant.
Genome position (GRCh38, 1-based): chr3:179,414,983, T>A on the plus strand (A>T on the coding strand, the complement: GNB4 is on the minus strand). VCF-style: chr3-179414983-T-A. GRCh37 (hg19) VCF-style: chr3-179132771-T-A.
Other names: short protein forms Y111F.
Identifiers: ClinVar variation 2895544 (VCV002895544.3), dbSNP rs2473904386, ClinGen allele CA355470083.
Genomic context (GRCh38, chr3:179,414,983, plus strand): 5'-CCCTCTCTGGTCTTTAAGTTATATATAGAGCAGATGTTGTCCAAGCCTCCACAGGCAACA[T>A]AATTACCAGAGGGAGCATAAGCACAGGTCATCACCCAGGAGGACCTCAAAGGAATAGCAT-3'
Protein context (NP_067642.1, residues 101-121): MTCAYAPSGN[Tyr111Phe]VACGGLDNIC